The following is an entry in ClinVar:

ClinVar aggregate classification (germline): Pathogenic (1 of 4 stars; one submission).

Conditions:
Deficiency of 3-hydroxyacyl-CoA dehydrogenase. Also called: HADH DEFICIENCY; 3-hydroxyacyl-CoA dehydrogenase deficiency. Identifiers: Orphanet 309127, Orphanet 71212, MedGen C1291230, MONDO:0017715, OMIM 231530.

Submission:

Labcorp Genetics (formerly Invitae), Labcorp
Classification: Pathogenic for Deficiency of 3-hydroxyacyl-CoA dehydrogenase. Last evaluated: 2023-11-15. Review status: criteria provided, single submitter. Criteria: Invitae Variant Classification Sherloc (09022015). Collection method: clinical testing. Allele origin: unknown.
Comment: A gross deletion of the genomic region encompassing the full coding sequence of the HADH gene has been identified. Loss-of-function variants in HADH are known to be pathogenic (PMID: 8825408). The boundaries of this event are unknown as they extend beyond the assayed region for this gene and therefore may encompass additional genes. This variant has not been reported in the literature in individuals affected with HADH-related conditions. For these reasons, this variant has been classified as Pathogenic.

Literature cited by the submitters: PubMed 8825408.

NC_000004.11:g.(?_108911089)_(108955513_?)del

Gene: HADH (hydroxyacyl-CoA dehydrogenase; plus strand). Cytogenetic location: 4q25.
Variant type: Deletion.
Identifiers: ClinVar variation 3246655 (VCV003246655.1).